The following is an entry in ClinVar:

NM_002206.3(ITGA7):c.2318T>C (p.Ile773Thr)

Genes: ITGA7 (integrin subunit alpha 7; minus strand), LOC126861535 (CDK7 strongly-dependent group 2 enhancer GRCh37_chr12:56087579-56088778; plus strand). Cytogenetic location: 12q13.2.
Variant type: single nucleotide variant.
Coding change: c.2318T>C on transcript NM_002206.3 (MANE Select); coding-DNA position 2318, T replaced by C.
Protein change: p.Ile773Thr; replaces isoleucine 773 with threonine.
Molecular consequence: missense variant.
Genome position (GRCh38, 1-based): chr12:55,694,482, A>G on the plus strand (T>C on the coding strand, the complement: ITGA7 is on the minus strand). VCF-style: chr12-55694482-A-G. GRCh37 (hg19) VCF-style: chr12-56088266-A-G.
Other names: c.2318T>C (NM_002206.2); c.2330T>C, p.Ile777Thr (NM_001144996.2); c.2039T>C, p.Ile680Thr (NM_001144997.2); c.1991T>C, p.Ile664Thr (NM_001367993.1); c.974T>C, p.Ile325Thr (NM_001367994.1); c.2300T>C, p.Ile767Thr (NM_001374465.1); c.2450T>C, p.Ile817Thr (NM_001410977.1); c.2312T>C, p.Ile771Thr (NM_001414029.1); and 6 more; short protein forms I664T, I680T, I748T, I773T, I817T, I660T, I698T, I744T.
Identifiers: ClinVar variation 3694730 (VCV003694730.2).

ClinVar aggregate classification (germline): Uncertain significance. Review status: criteria provided, multiple submitters, no conflicts (2 of 4 stars). 2 submissions from 2 submitters: Uncertain significance (2). Last evaluated 2025-11-03.

Conditions:
Congenital muscular dystrophy due to integrin alpha-7 deficiency. Also called: MYOPATHY, CONGENITAL, DUE TO INTEGRIN ALPHA-7 DEFICIENCY; Congenital muscular dystrophy with integrin alpha-7 deficiency; Muscular dystrophy, congenital, due to ITGA7 deficiency. Identifiers: Orphanet 34520, MedGen C2750786, MONDO:0013177, OMIM 613204.

gnomAD v4.1: 42 of 1,614,054 alleles (0.0026%); highest among the groups gnomAD compares: Non-Finnish European, 0.0031%; no homozygotes.

Submissions (2):

Ambry Genetics
Classification: Uncertain significance. Last evaluated: 2025-11-03. Review status: criteria provided, single submitter. Criteria: Ambry Variant Classification Scheme 2023. Collection method: clinical testing. Allele origin: germline.

Labcorp Genetics (formerly Invitae), Labcorp
Classification: Uncertain significance for Congenital muscular dystrophy due to integrin alpha-7 deficiency. Last evaluated: 2024-04-09. Review status: criteria provided, single submitter. Criteria: Invitae Variant Classification Sherloc (09022015). Collection method: clinical testing. Allele origin: germline.
Comment: This sequence change replaces isoleucine, which is neutral and non-polar, with threonine, which is neutral and polar, at codon 773 of the ITGA7 protein (p.Ile773Thr). This variant is present in population databases (rs752829410, gnomAD 0.005%). This variant has not been reported in the literature in individuals affected with ITGA7-related conditions. Advanced modeling of protein sequence and biophysical properties (such as structural, functional, and spatial information, amino acid conservation, physicochemical variation, residue mobility, and thermodynamic stability) has been performed at Invitae for this missense variant, however the output from this modeling did not meet the statistical confidence thresholds required to predict the impact of this variant on ITGA7 protein function. In summary, the available evidence is currently insufficient to determine the role of this variant in disease. Therefore, it has been classified as a Variant of Uncertain Significance.